The following is an entry in ClinVar:

NM_001365088.1(SLC12A6):c.2641C>T (p.Arg881Ter)

Gene: SLC12A6 (solute carrier family 12 member 6; minus strand). Cytogenetic location: 15q14.
Variant type: single nucleotide variant.
Coding change: c.2641C>T on transcript NM_001365088.1 (MANE Select); coding-DNA position 2641, C replaced by T.
Protein change: p.Arg881Ter; replaces arginine 881 with a stop codon.
Molecular consequence: nonsense.
Genome position (GRCh38, 1-based): chr15:34,238,393, G>A on the plus strand (C>T on the coding strand, the complement: SLC12A6 is on the minus strand). VCF-style: chr15-34238393-G-A. GRCh37 (hg19) VCF-style: chr15-34530594-G-A.
Other names: c.2614C>T, p.Arg872Ter (NM_001042496.2); c.2596C>T, p.Arg866Ter (NM_001042497.2); c.2488C>T, p.Arg830Ter (NM_005135.2); c.2641C>T, p.Arg881Ter (NM_133647.2); c.2464C>T, p.Arg822Ter (NM_001042494.2, NM_001042495.2); short protein forms R822*, R830*, R866*, R872*, R881*.
Identifiers: ClinVar variation 3617058 (VCV003617058.2).

ClinVar aggregate classification (germline): Pathogenic (1 of 4 stars; one submission).

gnomAD v4.1: 1 of 1,612,494 alleles (0.000062%); highest among the groups gnomAD compares: Non-Finnish European, 0.000085%; no homozygotes.

Submission:

Labcorp Genetics (formerly Invitae), Labcorp
Classification: Pathogenic. Last evaluated: 2024-02-05. Review status: criteria provided, single submitter. Criteria: Invitae Variant Classification Sherloc (09022015). Collection method: clinical testing. Allele origin: germline.
Comment: This sequence change creates a premature translational stop signal (p.Arg881*) in the SLC12A6 gene. It is expected to result in an absent or disrupted protein product. Loss-of-function variants in SLC12A6 are known to be pathogenic (PMID: 12368912, 16606917). This variant is not present in population databases (gnomAD no frequency). This variant has not been reported in the literature in individuals affected with SLC12A6-related conditions. For these reasons, this variant has been classified as Pathogenic.

Literature cited by the submitters: PubMed 12368912; PubMed 16606917.